The following is an entry in ClinVar:

ClinVar aggregate classification (germline): Uncertain significance. Review status: criteria provided, multiple submitters, no conflicts (2 of 4 stars). 2 submissions from 2 submitters: Uncertain significance (2). Last evaluated 2026-06-11.

Conditions:
Progressive sclerosing poliodystrophy (MTDPS4A). Also called: ALPERS PROGRESSIVE INFANTILE POLIODYSTROPHY; NEURONAL DEGENERATION OF CHILDHOOD WITH LIVER DISEASE, PROGRESSIVE; Mitochondrial DNA Depletion Syndrome 4A; Alpers-Huttenlocher Syndrome (AHS); Mitochondrial DNA depletion syndrome 4A (Alpers type); Alpers Syndrome. Identifiers: Orphanet 726, MedGen C0205710, MONDO:0008758, OMIM 203700.
Inborn genetic diseases. Identifiers: MedGen C0950123, MeSH D030342.

Allele frequency attached by ClinVar (database versions not stated): TOPMed 0.00001.
gnomAD v4.1: 2 of 1,614,102 alleles (0.00012%); highest among the groups gnomAD compares: Non-Finnish European, 0.00017%; no homozygotes.

Submissions (2):

Ambry Genetics
Classification: Uncertain significance for Inborn genetic diseases. Last evaluated: 2026-06-11. Review status: criteria provided, single submitter. Criteria: Ambry Variant Classification Scheme 2023. Collection method: clinical testing. Allele origin: germline.

Labcorp Genetics (formerly Invitae), Labcorp
Classification: Uncertain significance for Progressive sclerosing poliodystrophy. Last evaluated: 2024-10-15. Review status: criteria provided, single submitter. Criteria: Invitae Variant Classification Sherloc (09022015). Collection method: clinical testing. Allele origin: germline.
Comment: This sequence change replaces lysine, which is basic and polar, with arginine, which is basic and polar, at codon 498 of the POLG protein (p.Lys498Arg). This variant is present in population databases (no rsID available, gnomAD 0.0009%). This variant has not been reported in the literature in individuals affected with POLG-related conditions. ClinVar contains an entry for this variant (Variation ID: 1026200). Invitae Evidence Modeling of protein sequence and biophysical properties (such as structural, functional, and spatial information, amino acid conservation, physicochemical variation, residue mobility, and thermodynamic stability) indicates that this missense variant is expected to disrupt POLG protein function with a positive predictive value of 95%. In summary, the available evidence is currently insufficient to determine the role of this variant in disease. Therefore, it has been classified as a Variant of Uncertain Significance.

NM_002693.3(POLG):c.1493A>G (p.Lys498Arg)

Gene: POLG (DNA polymerase gamma, catalytic subunit; minus strand). Cytogenetic location: 15q26.1.
Variant type: single nucleotide variant.
Coding change: c.1493A>G on transcript NM_002693.3 (MANE Select); coding-DNA position 1493, A replaced by G.
Protein change: p.Lys498Arg; replaces lysine 498 with arginine.
Molecular consequence: missense variant.
Genome position (GRCh38, 1-based): chr15:89,327,004, T>C on the plus strand (A>G on the coding strand, the complement: POLG is on the minus strand). VCF-style: chr15-89327004-T-C. GRCh37 (hg19) VCF-style: chr15-89870235-T-C.
Other names: c.1493A>G, p.Lys498Arg (NM_001126131.2); c.1493A>G (NM_002693.2); short protein forms K498R.
Identifiers: ClinVar variation 1026200 (VCV001026200.9), dbSNP rs769637557, ClinGen allele CA393760933.
Genomic context (GRCh38, chr15:89,327,004, plus strand): 5'-GCCCCCTCGATGGGCAACTTGCTGGCTGTGGCTGGTTCCTTCTTCACCTTCTTAGCTTTC[T>C]TCTGCTTAAATTCTTGCAGGTCCCACTCCAGGTCCCAGAGCCAGGGGTCTTCTTTGTACC-3'
Protein context (NP_002684.1, residues 488-508): LEWDLQEFKQ[Lys498Arg]KAKKVKKEPA